The following is an entry in ClinVar:

ClinVar aggregate classification (germline): Uncertain significance (1 of 4 stars; one submission).

Submission:

CeGaT Center for Human Genetics Tuebingen
Classification: Uncertain significance. Last evaluated: 2023-02-01. Review status: criteria provided, single submitter. Criteria: CeGaT Center For Human Genetics Tuebingen Variant Classification Criteria Version 2. Collection method: clinical testing. Allele origin: germline. Affected: yes. Observed: 1 variant allele.
Comment: NAV2: PM2

NM_145117.5(NAV2):c.5953G>C (p.Gly1985Arg)

Gene: NAV2 (neuron navigator 2; plus strand). Cytogenetic location: 11p15.1.
Variant type: single nucleotide variant.
Coding change: c.5953G>C on transcript NM_145117.5 (MANE Select); coding-DNA position 5953, G replaced by C.
Protein change: p.Gly1985Arg; replaces glycine 1985 with arginine.
Molecular consequence: missense variant.
Genome position (GRCh38, 1-based): chr11:20,095,708, G>C. VCF-style: chr11-20095708-G-C. GRCh37 (hg19) VCF-style: chr11-20117254-G-C.
Other names: c.5761G>C, p.Gly1921Arg (NM_001111018.2); c.3145G>C, p.Gly1049Arg (NM_001111019.3); c.6130G>C, p.Gly2044Arg (NM_001244963.2); c.5962G>C, p.Gly1988Arg (NM_182964.6); short protein forms G1049R, G1921R, G1985R, G1988R, G2044R.
Identifiers: ClinVar variation 2641683 (VCV002641683.24), dbSNP rs2551640586, ClinGen allele CA379902846.
Genomic context (GRCh38, chr11:20,095,708, plus strand): 5'-CTGTGTACATTTCCTTACCCTTAGGATTCCAGACCACATCTCTTTCTTATTGGCTGCATT[G>C]GAGTTAGTGGCAAGACGAAGTGGGATGTGCTCGATGGGGTGGTTAGACGGCTGTTCAAAG-3'
Protein context (NP_660093.2, residues 1975-1995): RPHLFLIGCI[Gly1985Arg]VSGKTKWDVL